The following is an entry in ClinVar:

NM_001009944.3(PKD1):c.11156+12_11156+13delinsAA

Genes: PKD1 (polycystin 1, transient receptor potential channel interacting; minus strand), PKD1-AS1 (PKD1 antisense RNA 1; plus strand). Cytogenetic location: 16p13.3.
Variant type: Indel.
Coding change: c.11156+12_11156+13delinsAA on transcript NM_001009944.3 (MANE Select); bases 12 to 13 of the intron after coding-DNA position 11156, CG replaced by AA.
Molecular consequence: intron variant. On other transcripts: non-coding transcript variant (1).
Genome position (GRCh38, 1-based): chr16:2,092,941-2,092,942, CG replaced by TT on the plus strand (CG replaced by AA on the coding strand, the reverse complement: PKD1 is on the minus strand). VCF-style: chr16-2092941-CG-TT. GRCh37 (hg19) VCF-style: chr16-2142942-CG-TT.
Other names: c.11153+12_11153+13delinsAA (NM_000296.4).
Identifiers: ClinVar variation 997319 (VCV000997319.1), dbSNP rs2091665982, ClinGen allele CA2202022323.

ClinVar aggregate classification (germline): Likely benign (0 of 4 stars; one submission).

Conditions:
Polycystic kidney disease. Also called: Polycystic kidney dysplasia; Kidney, Polycystic. Identifiers: MedGen C0022680, MeSH D007690, MONDO:0020642, HP:0000113.

Submission:

Department of Pathology and Laboratory Medicine, Sinai Health System
Classification: Likely benign for Polycystic Kidney disease. Review status: no assertion criteria provided. Collection method: clinical testing. Allele origin: unknown. Affected: yes. Observed: 1 variant allele. Study: The Canadian Open Genetics Repository (COGR).
Comment: The PKD1 c.11156+12_11156+13delinsAA variant was not identified in the literature nor was it identified in dbSNP, ClinVar, LOVD 3.0, ADPKD Mutation Database, or PKD1-LOVD. The variant was not identified in the following control databases: the Exome Aggregation Consortium (August 8th 2016) or the Genome Aggregation Database (Feb 27, 2017). The variant was identified in our laboratory with a co-occurring pathogenic PKD1 variant (c.8017-2_8017-1del), increasing the likelihood that the c.11156+12_11156+13delinsAA variant does not have clinical significance. In addition, two variants at positions c.11156+13G>A and c.11156+12C>T were identified in the ADPKD database and classified as likely neutral. The variant occurs outside of the splicing consensus sequence and 1 of 4 in silico or computational prediction software programs (SpliceSiteFinder, MaxEntScan, NNSPLICE, GeneSplicer) predict a greater than 10% difference in splicing; this is not very predictive of pathogenicity. In summary, based on the above information, the clinical significance of this variant cannot be determined with certainty at this time although we would lean towards a more benign role for this variant. This variant is classified as likely benign.